The following is an entry in ClinVar:

ClinVar aggregate classification (germline): Uncertain significance (1 of 4 stars; one submission).

Conditions:
Hereditary cancer-predisposing syndrome. Also called: Hereditary neoplastic syndrome; Neoplastic Syndromes, Hereditary; Tumor predisposition; Hereditary Cancer Syndrome. Identifiers: Orphanet 140162, MedGen C0027672, MeSH D009386, MONDO:0015356.

Submission:

Ambry Genetics
Classification: Uncertain significance for Hereditary cancer-predisposing syndrome. Last evaluated: 2025-08-27. Review status: criteria provided, single submitter. Criteria: Ambry Variant Classification Scheme 2023. Collection method: clinical testing. Allele origin: germline.
Comment: The p.H26Q variant (also known as c.78C>G), located in coding exon 2 of the MUTYH gene, results from a C to G substitution at nucleotide position 78. The histidine at codon 26 is replaced by glutamine, an amino acid with highly similar properties. This amino acid position is conserved. In addition, this alteration is predicted to be tolerated by in silico analysis. Based on the available evidence, the clinical significance of this variant remains unclear.

NM_001048174.2(MUTYH):c.36C>G (p.His12Gln)

Gene: MUTYH (mutY DNA glycosylase; minus strand). Cytogenetic location: 1p34.1.
Variant type: single nucleotide variant.
Coding change: c.36C>G on transcript NM_001048174.2 (MANE Select); coding-DNA position 36, C replaced by G.
Protein change: p.His12Gln; replaces histidine 12 with glutamine.
Molecular consequence: missense variant. On other transcripts: 5 prime UTR variant (7), non-coding transcript variant (7).
Genome position (GRCh38, 1-based): chr1:45,334,470, G>C on the plus strand (C>G on the coding strand, the complement: MUTYH is on the minus strand). VCF-style: chr1-45334470-G-C. GRCh37 (hg19) VCF-style: chr1-45800142-G-C.
Other names: c.36C>G, p.His12Gln (NM_001048171.2, NM_001048172.2, NM_001048173.2 and 15 more transcripts); c.78C>G, p.His26Gln (NM_001128425.2, NM_001293190.2, NM_001407069.1 and 2 more transcripts); c.-177C>G (NM_001293192.2, NM_001293196.2, NM_001407091.1); c.-236C>G (NM_001350650.2); c.-172C>G (NM_001350651.2, NM_001407082.1); c.-121C>G (NM_001407075.1); c.54C>G, p.His18Gln (NM_001407087.1); short protein forms H26Q, H12Q, H18Q.
Identifiers: ClinVar variation 4113842 (VCV004113842.1).